The following is an entry in ClinVar:

NM_194454.3(KRIT1):c.1616T>G (p.Leu539Ter)

Gene: KRIT1 (KRIT1 ankyrin repeat containing; minus strand). Cytogenetic location: 7q21.2.
Variant type: single nucleotide variant.
Coding change: c.1616T>G on transcript NM_194454.3 (MANE Select); coding-DNA position 1616, T replaced by G.
Protein change: p.Leu539Ter; replaces leucine 539 with a stop codon.
Molecular consequence: nonsense.
Genome position (GRCh38, 1-based): chr7:92,214,725, A>C on the plus strand (T>G on the coding strand, the complement: KRIT1 is on the minus strand). VCF-style: chr7-92214725-A-C. GRCh37 (hg19) VCF-style: chr7-91844039-A-C.
Other names: c.1472T>G, p.Leu491Ter (NM_001013406.2, NM_001350669.1, NM_001350670.1); c.902T>G, p.Leu301Ter (NM_001350671.1); c.1616T>G, p.Leu539Ter (NM_001350672.1, NM_001350673.1, NM_001350674.1 and 26 more transcripts); short protein forms L301*, L491*, L539*.
Identifiers: ClinVar variation 1068705 (VCV001068705.7), dbSNP rs1563245596, ClinGen allele CA368142232.
Genomic context (GRCh38, chr7:92,214,725, plus strand): 5'-AAAAGCAGACTTGCCAATGTTATCAGCTTAGCATCAGGAGCTGTATAAAAGCCCTTCAAT[A>C]AATTATATCTGGCTTCATCAAAGAGAATAAGAATAGCTAGTGGGTCTTCAATCTTAAAGG-3'

ClinVar aggregate classification (germline): Pathogenic (1 of 4 stars; one submission).

Conditions:
Cerebral cavernous malformation (CCM). Also called: Cavernous Hemangioma of Brain; Cerebral cavernous hemangioma (type); Cerebral cavernous malformations; CAVERNOUS ANGIOMA, FAMILIAL; CAVERNOUS ANGIOMATOUS MALFORMATIONS; CEREBRAL CAPILLARY MALFORMATIONS. Identifiers: Orphanet 221061, MedGen C2919945, MONDO:0000820, OMIM 116860, HP:0033522.

Submission:

Labcorp Genetics (formerly Invitae), Labcorp
Classification: Pathogenic for Cerebral cavernous malformation. Last evaluated: 2025-07-04. Review status: criteria provided, single submitter. Criteria: Invitae Variant Classification Sherloc (09022015). Collection method: clinical testing. Allele origin: germline.
Comment: This sequence change creates a premature translational stop signal (p.Leu539*) in the KRIT1 gene. It is expected to result in an absent or disrupted protein product. Loss-of-function variants in KRIT1 are known to be pathogenic (PMID: 10508515, 11222804, 12404106, 24689081). This variant is not present in population databases (gnomAD no frequency). This variant has not been reported in the literature in individuals affected with KRIT1-related conditions. ClinVar contains an entry for this variant (Variation ID: 1068705). For these reasons, this variant has been classified as Pathogenic.

Literature cited by the submitters: PubMed 10508515; PubMed 11222804; PubMed 12404106; PubMed 24689081.